The following is an entry in ClinVar:

ClinVar aggregate classification (germline): Conflicting classifications of pathogenicity. Review status: criteria provided, conflicting classifications (1 of 4 stars). 2 submissions from 2 submitters: Uncertain significance (1); Likely benign (1). Last evaluated 2023-03-23.

Conditions:
Hereditary cancer-predisposing syndrome. Also called: Neoplastic Syndromes, Hereditary; Tumor predisposition; Hereditary Cancer Syndrome; Hereditary neoplastic syndrome. Identifiers: Orphanet 140162, MedGen C0027672, MeSH D009386, MONDO:0015356.

Submissions (2):

University of Washington Department of Laboratory Medicine, University of Washington
Classification: Likely benign for Hereditary cancer-predisposing syndrome. Last evaluated: 2023-03-23. Review status: criteria provided, single submitter. Criteria: Dines et al. (Genet Med. 2020). Collection method: curation. Allele origin: germline.
Comment: Missense variant in a coldspot region where missense variants are very unlikely to be pathogenic (PMID:31911673).

BRCA1 coldspot (exon 11 using historical exon numbering). Reclassification based on statistical prior probability

Ambry Genetics
Classification: Uncertain significance for Hereditary cancer-predisposing syndrome. Last evaluated: 2016-09-27. Review status: criteria provided, single submitter. Criteria: Ambry Variant Classification Scheme 2023. Collection method: clinical testing. Allele origin: germline.
Comment: The p.G1100R variant (also known as c.3298G>A), located in coding exon 9 of the BRCA1 gene, results from a G to A substitution at nucleotide position 3298. The glycine at codon 1100 is replaced by arginine, an amino acid with dissimilar properties. This variant was not reported in population based cohorts in the following databases: Database of Single Nucleotide Polymorphisms (dbSNP), NHLBI Exome Sequencing Project (ESP), and 1000 Genomes Project. In the ESP, this variant was not observed in 6503 samples (13006 alleles) with coverage at this position. To date, this alteration has been detected with an allele frequency of approximately 0.0003% (greater than 300000 alleles tested) in our clinical cohort. This amino acid position is poorly conserved in available vertebrate species. In addition, this alteration is predicted to be tolerated by in silico analysis. Since supporting evidence is limited at this time, the clinical significance of this alteration remains unclear.

NM_007294.4(BRCA1):c.3298G>A (p.Gly1100Arg)

Genes: BRCA1 (BRCA1 DNA repair associated; minus strand), LOC126862571 (BRD4-independent group 4 enhancer GRCh37_chr17:41243136-41244335; plus strand). Cytogenetic location: 17q21.31.
Variant type: single nucleotide variant.
Coding change: c.3298G>A on transcript NM_007294.4 (MANE Select); coding-DNA position 3298, G replaced by A.
Protein change: p.Gly1100Arg; replaces glycine 1100 with arginine.
Molecular consequence: missense variant. On other transcripts: intron variant (137).
Genome position (GRCh38, 1-based): chr17:43,092,233, C>T on the plus strand (G>A on the coding strand, the complement: BRCA1 is on the minus strand). VCF-style: chr17-43092233-C-T. GRCh37 (hg19) VCF-style: chr17-41244250-C-T.
Other names: c.3085G>A, p.Gly1029Arg (NM_001407571.1, NM_001407853.1, NM_001407894.1 and 9 more transcripts); c.3298G>A, p.Gly1100Arg (NM_001407581.1, NM_001407582.1, NM_001407583.1 and 30 more transcripts); c.3295G>A, p.Gly1099Arg (NM_001407587.1, NM_001407590.1, NM_001407591.1 and 22 more transcripts); c.3289G>A, p.Gly1097Arg (NM_001407646.1, NM_001407647.1); c.3175G>A, p.Gly1059Arg (NM_001407648.1, NM_001407664.1, NM_001407665.1 and 19 more transcripts); c.3172G>A, p.Gly1058Arg (NM_001407649.1, NM_001407670.1, NM_001407671.1 and 11 more transcripts); c.3220G>A, p.Gly1074Arg (NM_001407653.1, NM_001407654.1, NM_001407655.1 and 4 more transcripts); c.3217G>A, p.Gly1073Arg (NM_001407659.1, NM_001407660.1, NM_001407661.1 and 1 more transcripts); and 41 more; short protein forms G1100R, G1053R, G1012R, G1032R, G1073R, G1074R, G988R, G1030R.
Identifiers: ClinVar variation 485388 (VCV000485388.8), dbSNP rs1555587999, ClinGen allele CA10595394.
Genomic context (GRCh38, chr17:43,092,233, plus strand): 5'-CAGTCTGAACTACTTCTTCATATTCTTGCTTTTTTATTTCAGGATGCTTACAATTACTTC[C>T]AGGAAGACTTTGTTTATAGACCTCAGGTTGCAAAACCCCTAATCTAAGCATAGCATTCAA-3'
Protein context (NP_009225.1, residues 1090-1110): QPEVYKQSLP[Gly1100Arg]SNCKHPEIKK